The following is an entry in ClinVar:

ClinVar aggregate classification (germline): Uncertain significance (1 of 4 stars; one submission).

Submission:

CeGaT Center for Human Genetics Tuebingen
Classification: Uncertain significance. Last evaluated: 2025-10-01. Review status: criteria provided, single submitter. Criteria: CeGaT Center For Human Genetics Tuebingen Variant Classification Criteria Version 2. Collection method: clinical testing. Allele origin: germline. Affected: yes. Observed: 1 variant allele.
Comment: CHD1: PM2, PP2, PP3, BS2

NM_001270.4(CHD1):c.1883A>C (p.Lys628Thr)

Gene: CHD1 (chromodomain helicase DNA binding protein 1; minus strand). Cytogenetic location: 5q15.
Variant type: single nucleotide variant.
Coding change: c.1883A>C on transcript NM_001270.4 (MANE Select); coding-DNA position 1883, A replaced by C.
Protein change: p.Lys628Thr; replaces lysine 628 with threonine.
Molecular consequence: missense variant. On other transcripts: non-coding transcript variant (2).
Genome position (GRCh38, 1-based): chr5:98,893,524, T>G on the plus strand (A>C on the coding strand, the complement: CHD1 is on the minus strand). VCF-style: chr5-98893524-T-G. GRCh37 (hg19) VCF-style: chr5-98229228-T-G.
Other names: c.1883A>C, p.Lys628Thr (NM_001364113.3, NM_001376194.2); short protein forms K628T.
Identifiers: ClinVar variation 4534970 (VCV004534970.6).